The following is an entry in ClinVar:

ClinVar aggregate classification (germline): Pathogenic (1 of 4 stars; one submission).

Conditions:
Tatton-Brown-Rahman overgrowth syndrome. Also called: Tatton-Brown-Rahman syndrome; Tall stature-intellectual disability-facial dysmorphism syndrome. Identifiers: Orphanet 404443, MedGen C4014545, MONDO:0014382, OMIM 615879.

Submission:

Labcorp Genetics (formerly Invitae), Labcorp
Classification: Pathogenic for Tatton-Brown-Rahman overgrowth syndrome. Last evaluated: 2024-05-23. Review status: criteria provided, single submitter. Criteria: Invitae Variant Classification Sherloc (09022015). Collection method: clinical testing. Allele origin: germline.
Comment: This sequence change creates a premature translational stop signal (p.Trp795*) in the DNMT3A gene. It is expected to result in an absent or disrupted protein product. Loss-of-function variants in DNMT3A are known to be pathogenic (PMID: 24614070). This variant is not present in population databases (gnomAD no frequency). This variant has not been reported in the literature in individuals affected with DNMT3A-related conditions. Algorithms developed to predict the effect of sequence changes on RNA splicing suggest that this variant may disrupt the consensus splice site. For these reasons, this variant has been classified as Pathogenic.

Literature cited by the submitters: PubMed 24614070.

NM_022552.5(DNMT3A):c.2384G>A (p.Trp795Ter)

Gene: DNMT3A (DNA methyltransferase 3 alpha; minus strand). Cytogenetic location: 2p23.3.
Variant type: single nucleotide variant.
Coding change: c.2384G>A on transcript NM_022552.5 (MANE Select); coding-DNA position 2384, G replaced by A.
Protein change: p.Trp795Ter; replaces tryptophan 795 with a stop codon.
Molecular consequence: nonsense. On other transcripts: non-coding transcript variant (1).
Genome position (GRCh38, 1-based): chr2:25,239,154, C>T on the plus strand (G>A on the coding strand, the complement: DNMT3A is on the minus strand). VCF-style: chr2-25239154-C-T. GRCh37 (hg19) VCF-style: chr2-25462023-C-T.
Other names: c.1928G>A, p.Trp643Ter (NM_001320893.1); c.1715G>A, p.Trp572Ter (NM_001375819.1); c.1817G>A, p.Trp606Ter (NM_153759.3); c.2384G>A, p.Trp795Ter (NM_175629.2); short protein forms W606*, W572*, W643*, W795*.
Identifiers: ClinVar variation 3674188 (VCV003674188.2).